The following is an entry in ClinVar:

ClinVar aggregate classification (germline): Likely pathogenic (1 of 4 stars; one submission).

Conditions:
X-linked chondrodysplasia punctata 1 (CDPX1). Also called: CHONDRODYSPLASIA PUNCTATA, BRACHYTELEPHALANGIC; Chondrodysplasia punctata, X-linked recessive. Identifiers: Orphanet 79345, MedGen C3669395, MONDO:0010555, OMIM 302950.

Submission:

Juno Genomics, Hangzhou Juno Genomics, Inc
Classification: Likely pathogenic for X-linked chondrodysplasia punctata 1. Review status: criteria provided, single submitter. Criteria: ACMG Guidelines, 2015. Collection method: clinical testing. Allele origin: germline. Affected: yes.
Comment: Null variant in a gene where loss of function (LOF) is a known mechanism of disease.;Absent from controls (or at extremely low frequency if recessive) in Genome Aggregation Database, Exome Sequencing Project, 1000 Genomes Project, or Exome Aggregation Consortium.

NM_000047.3(ARSL):c.694del (p.Leu232fs)

Gene: ARSL (arylsulfatase L; minus strand). Cytogenetic location: Xp22.33.
Variant type: Deletion.
Coding change: c.694del on transcript NM_000047.3 (MANE Select); coding-DNA position 694, one base deleted (C; older notation c.694delC).
Protein change: p.Leu232fs; shifts the reading frame from leucine 232.
Molecular consequence: frameshift variant.
Genome position (GRCh38, 1-based): chrX:2,949,464, G deleted on the plus strand (C on the coding strand, the reverse complement: ARSL is on the minus strand); the first of 3 consecutive G bases (chrX:2,949,464-2,949,466); deleting any one gives the same sequence. VCF-style (leftmost placement, unchanged base first): chrX-2949463-AG-A. GRCh37 (hg19) VCF-style: chrX-2867504-AG-A.
Other names: c.721del, p.Leu241fs (NM_001369079.1); c.769del, p.Leu257fs (NM_001369080.1, NM_001282628.2); c.532del, p.Leu178fs (NM_001282631.2); short protein forms L178fs, L232fs, L241fs, L257fs.
Identifiers: ClinVar variation 3382679 (VCV003382679.2).